The following is an entry in ClinVar:

NM_153026.3(PRICKLE1):c.479C>T (p.Thr160Met)

Gene: PRICKLE1 (prickle planar cell polarity protein 1; minus strand). Cytogenetic location: 12q12.
Variant type: single nucleotide variant.
Coding change: c.479C>T on transcript NM_153026.3 (MANE Select); coding-DNA position 479, C replaced by T.
Protein change: p.Thr160Met; replaces threonine 160 with methionine.
Molecular consequence: missense variant.
Genome position (GRCh38, 1-based): chr12:42,468,735, G>A on the plus strand (C>T on the coding strand, the complement: PRICKLE1 is on the minus strand). VCF-style: chr12-42468735-G-A. GRCh37 (hg19) VCF-style: chr12-42862537-G-A.
Other names: c.479C>T, p.Thr160Met (NM_001144881.2, NM_001144882.2, NM_001144883.2); short protein forms T160M.
Identifiers: ClinVar variation 861187 (VCV000861187.7), dbSNP rs777277493, ClinGen allele CA6519902.
Genomic context (GRCh38, chr12:42,468,735, plus strand): 5'-CCACAGTGAATTTTTCCATCCTGATAAAAATAGATGAGGTCGACCAGCAGCTCATTACAC[G>A]TGAAACAGACAAAACAGGATGGGTGCCAGCACACACCAGGGCCCGCACGGGAGGCGAACA-3'
Protein context (NP_694571.2, residues 150-170): CWHPSCFVCF[Thr160Met]CNELLVDLIY

ClinVar aggregate classification (germline): Uncertain significance (1 of 4 stars; one submission).

Conditions:
Epilepsy, progressive myoclonic, 1B. Also called: PME. Identifiers: Orphanet 308, MedGen C2676254, MONDO:0012904, OMIM 612437.

Allele frequency attached by ClinVar (database versions not stated): gnomAD 0.00001; gnomAD exomes 0.00001 and 0.00002; ExAC 0.00002; TOPMed 0.00002.

Submission:

Labcorp Genetics (formerly Invitae), Labcorp
Classification: Uncertain significance for Epilepsy, progressive myoclonic, 1B. Last evaluated: 2022-07-12. Review status: criteria provided, single submitter. Criteria: Invitae Variant Classification Sherloc (09022015). Collection method: clinical testing. Allele origin: germline.
Comment: In summary, the available evidence is currently insufficient to determine the role of this variant in disease. Therefore, it has been classified as a Variant of Uncertain Significance. Algorithms developed to predict the effect of missense changes on protein structure and function (SIFT, PolyPhen-2, Align-GVGD) all suggest that this variant is likely to be disruptive. ClinVar contains an entry for this variant (Variation ID: 861187). This variant has not been reported in the literature in individuals affected with PRICKLE1-related conditions. This variant is present in population databases (rs777277493, gnomAD 0.006%). This sequence change replaces threonine, which is neutral and polar, with methionine, which is neutral and non-polar, at codon 160 of the PRICKLE1 protein (p.Thr160Met).